The following is an entry in ClinVar:

NM_003628.6(PKP4):c.1415T>C (p.Leu472Pro)

Gene: PKP4 (plakophilin 4; plus strand). Cytogenetic location: 2q24.1.
Variant type: single nucleotide variant.
Coding change: c.1415T>C on transcript NM_003628.6 (MANE Select); coding-DNA position 1415, T replaced by C.
Protein change: p.Leu472Pro; replaces leucine 472 with proline.
Molecular consequence: missense variant.
Genome position (GRCh38, 1-based): chr2:158,634,142, T>C. VCF-style: chr2-158634142-T-C. GRCh37 (hg19) VCF-style: chr2-159490654-T-C.
Other names: c.1415T>C, p.Leu472Pro (NM_001005476.4, NM_001304971.2, NM_001377218.1 and 1 more transcripts); c.1412T>C, p.Leu471Pro (NM_001304969.3, NM_001377219.1, NM_001377220.1 and 2 more transcripts); c.386T>C, p.Leu129Pro (NM_001304970.3); c.1409T>C, p.Leu470Pro (NM_001377222.1, NM_001377223.1); c.1406T>C, p.Leu469Pro (NM_001377224.1); short protein forms L129P, L470P, L471P, L469P, L472P.
Identifiers: ClinVar variation 4568592 (VCV004568592.1).

ClinVar aggregate classification (germline): Uncertain significance (1 of 4 stars; one submission).

Submission:

Ambry Genetics
Classification: Uncertain significance. Last evaluated: 2025-10-05. Review status: criteria provided, single submitter. Criteria: Ambry Variant Classification Scheme 2023. Collection method: clinical testing. Allele origin: germline.
Comment: The p.L472P variant (also known as c.1415T>C), located in coding exon 8 of the PKP4 gene, results from a T to C substitution at nucleotide position 1415. The leucine at codon 472 is replaced by proline, an amino acid with similar properties. This amino acid position is conserved. In addition, this alteration is predicted to be deleterious by in silico analysis. Based on the available evidence, the clinical significance of this variant remains unclear.